The following is an entry in ClinVar:

ClinVar aggregate classification (germline): Pathogenic (1 of 4 stars; one submission).

Conditions:
Early-infantile DEE. Also called: Early infantile epileptic encephalopathy; Ohtahara syndrome; Early infantile epileptic encephalopathy with suppression bursts. Identifiers: Orphanet 1934, MedGen C0393706, MONDO:0800491.

Submission:

Labcorp Genetics (formerly Invitae), Labcorp
Classification: Pathogenic for Early-infantile DEE. Last evaluated: 2024-03-04. Review status: criteria provided, single submitter. Criteria: Invitae Variant Classification Sherloc (09022015). Collection method: clinical testing. Allele origin: germline.
Comment: This sequence change replaces asparagine, which is neutral and polar, with lysine, which is basic and polar, at codon 1414 of the SCN1A protein (p.Asn1414Lys). This variant is not present in population databases (gnomAD no frequency). This missense change has been observed in individual(s) with clinical features of autosomal dominant SCN1A-related condition (PMID: 32613771). ClinVar contains an entry for this variant (Variation ID: 2133727). Advanced modeling of protein sequence and biophysical properties (such as structural, functional, and spatial information, amino acid conservation, physicochemical variation, residue mobility, and thermodynamic stability) performed at Invitae indicates that this missense variant is expected to disrupt SCN1A protein function with a positive predictive value of 95%. This variant disrupts the p.Asn1414 amino acid residue in SCN1A. Other variant(s) that disrupt this residue have been observed in individuals with SCN1A-related conditions (PMID: 17561957, 21248271, 32613771; Invitae), which suggests that this may be a clinically significant amino acid residue. For these reasons, this variant has been classified as Pathogenic.

Literature cited by the submitters: PubMed 32613771; PubMed 17561957; PubMed 21248271.

NM_001165963.4(SCN1A):c.4242C>A (p.Asn1414Lys)

Genes: SCN1A (sodium voltage-gated channel alpha subunit 1; minus strand), LOC102724058 (uncharacterized LOC102724058; plus strand). Cytogenetic location: 2q24.3.
Variant type: single nucleotide variant.
Coding change: c.4242C>A on transcript NM_001165963.4 (MANE Select); coding-DNA position 4242, C replaced by A.
Protein change: p.Asn1414Lys; replaces asparagine 1414 with lysine.
Molecular consequence: missense variant. On other transcripts: non-coding transcript variant (1).
Genome position (GRCh38, 1-based): chr2:166,002,514, G>T on the plus strand (C>A on the coding strand, the complement: SCN1A is on the minus strand). VCF-style: chr2-166002514-G-T. GRCh37 (hg19) VCF-style: chr2-166859024-G-T.
Other names: c.4209C>A, p.Asn1403Lys (NM_001353950.2, NM_001353951.2, NM_001353952.2 and 2 more transcripts); c.4206C>A, p.Asn1402Lys (NM_001353954.2, NM_001353955.2); c.4158C>A, p.Asn1386Lys (NM_001353957.2, NM_001353958.2, NM_001165964.3); c.4155C>A, p.Asn1385Lys (NM_001353960.2); c.1800C>A, p.Asn600Lys (NM_001353961.2); c.4242C>A, p.Asn1414Lys (NM_001202435.3, NM_001353948.2); short protein forms N1414K, N1386K, N1403K, N600K, N1385K, N1402K.
Identifiers: ClinVar variation 2133727 (VCV002133727.4), dbSNP rs398123594, ClinGen allele CA349049951.